The following is an entry in ClinVar:

ClinVar aggregate classification (germline): Conflicting classifications of pathogenicity. Review status: criteria provided, conflicting classifications (1 of 4 stars). 4 submissions from 4 submitters: Uncertain significance (3); Benign (1). Last evaluated 2026-06-15.

Allele frequency attached by ClinVar (database versions not stated): gnomAD exomes 0.00006; ExAC 0.00010; TOPMed 0.00033; 1000 Genomes Project 0.00040; 1000 Genomes Project 30x 0.00047; ESP Exome Variant Server 0.00050.
gnomAD v4.1: 69 of 1,613,866 alleles (0.0043%); highest among the groups gnomAD compares: African/African-American, 0.088%; no homozygotes.

Submissions (4):

Women's Health and Genetics/Laboratory Corporation of America, LabCorp
Classification: Uncertain significance. Last evaluated: 2026-06-15. Review status: criteria provided, single submitter. Criteria: LabCorp Variant Classification Summary - May 2015. Collection method: clinical testing. Allele origin: germline.
Comment: Variant summary: ADGRV1 c.14207C>G (p.Ser4736Cys) results in a non-conservative amino acid change in the encoded protein sequence. Algorithms developed to predict the effect of missense changes on protein structure and function are either unavailable or do not agree on the potential impact of this missense change. The variant allele was found at a frequency of 6e-05 in 248918 control chromosomes. This frequency is not significantly higher than estimated for disease-causing variants in ADGRV1, allowing no conclusion about variant significance. To our knowledge, no occurrence of c.14207C>G in individuals affected with ADGRV1-related conditions and no experimental evidence demonstrating its impact on protein function have been reported. ClinVar contains an entry for this variant (Variation ID: 942993). Based on the evidence outlined above, the variant was classified as uncertain significance.

GeneDx
Classification: Uncertain significance. Last evaluated: 2026-03-11. Review status: criteria provided, single submitter. Criteria: GeneDx Variant Classification Process June 2021. Collection method: clinical testing. Allele origin: germline.
Comment: Has not been previously published as pathogenic or benign to our knowledge; In silico analysis supports that this missense variant has a deleterious effect on protein structure/function

Labcorp Genetics (formerly Invitae), Labcorp
Classification: Benign. Last evaluated: 2025-12-29. Review status: criteria provided, single submitter. Criteria: Invitae Variant Classification Sherloc (09022015). Collection method: clinical testing. Allele origin: germline.

Blueprint Genetics
Classification: Uncertain significance. Last evaluated: 2024-02-19. Review status: criteria provided, single submitter. Criteria: ACMG Guidelines, 2015. Collection method: clinical testing. Allele origin: germline.

NM_032119.4(ADGRV1):c.14207C>G (p.Ser4736Cys)

Gene: ADGRV1 (adhesion G protein-coupled receptor V1; plus strand). Cytogenetic location: 5q14.3.
Variant type: single nucleotide variant.
Coding change: c.14207C>G on transcript NM_032119.4 (MANE Select); coding-DNA position 14207, C replaced by G.
Protein change: p.Ser4736Cys; replaces serine 4736 with cysteine.
Molecular consequence: missense variant. On other transcripts: non-coding transcript variant (1).
Genome position (GRCh38, 1-based): chr5:90,791,036, C>G. VCF-style: chr5-90791036-C-G. GRCh37 (hg19) VCF-style: chr5-90086853-C-G.
Other names: short protein forms S4736C.
Identifiers: ClinVar variation 942993 (VCV000942993.11), dbSNP rs201478715, ClinGen allele CA3341689.